The following is an entry in ClinVar:

ClinVar aggregate classification (germline): Uncertain significance. Review status: criteria provided, multiple submitters, no conflicts (2 of 4 stars). 2 submissions from 2 submitters: Uncertain significance (2). Last evaluated 2025-07-31.

Conditions:
Pancreatic adenocarcinoma. Identifiers: MedGen C0281361, MONDO:0006047, HP:0006725.

gnomAD v4.1: 7 of 1,500,006 alleles (0.00047%); highest among the groups gnomAD compares: Admixed American, 0.0021%; no homozygotes.

Submissions (2):

Labcorp Genetics (formerly Invitae), Labcorp
Classification: Uncertain significance for Pancreatic adenocarcinoma. Last evaluated: 2025-07-31. Review status: criteria provided, single submitter. Criteria: Invitae Variant Classification Sherloc (09022015). Collection method: clinical testing. Allele origin: germline.
Comment: This sequence change replaces proline, which is neutral and non-polar, with histidine, which is basic and polar, at codon 34 of the PALLD protein (p.Pro34His). This variant is not present in population databases (gnomAD no frequency). This variant has not been reported in the literature in individuals affected with PALLD-related conditions. ClinVar contains an entry for this variant (Variation ID: 3413687). An algorithm developed to predict the effect of missense changes on protein structure and function (PolyPhen-2) suggests that this variant is likely to be disruptive. In summary, the available evidence is currently insufficient to determine the role of this variant in disease. Therefore, it has been classified as a Variant of Uncertain Significance.

Ambry Genetics
Classification: Uncertain significance. Last evaluated: 2024-11-24. Review status: criteria provided, single submitter. Criteria: Ambry Variant Classification Scheme 2023. Collection method: clinical testing. Allele origin: germline.
Comment: The p.P34H variant (also known as c.101C>A), located in coding exon 1 of the PALLD gene, results from a C to A substitution at nucleotide position 101. The proline at codon 34 is replaced by histidine, an amino acid with similar properties. This amino acid position is conserved. In addition, this alteration is predicted to be tolerated by in silico analysis. Based on the available evidence, the clinical significance of this variant remains unclear.

NM_001166108.2(PALLD):c.1965-12930C>A

Gene: PALLD (palladin, cytoskeletal associated protein; plus strand). Cytogenetic location: 4q32.3.
Variant type: single nucleotide variant.
Coding change: c.1965-12930C>A on transcript NM_001166108.2 (MANE Select); 12930 bases into the intron before coding-DNA position 1965, C replaced by A.
Molecular consequence: intron variant. On other transcripts: missense variant (1).
Genome position (GRCh38, 1-based): chr4:168,877,992, C>A. VCF-style: chr4-168877992-C-A. GRCh37 (hg19) VCF-style: chr4-169799143-C-A.
Other names: c.101C>A, p.Pro34His (NM_001166110.2); c.1965-12930C>A (NM_016081.4); c.819-12930C>A (NM_001166109.2); c.-157-12930C>A (NM_001367570.1, NM_001367568.1, NM_001367567.1 and 1 more transcripts); short protein forms P34H.
Identifiers: ClinVar variation 3413687 (VCV003413687.2).
Genomic context (GRCh38, chr4:168,877,992, plus strand): 5'-CCTCCGGCTCCTTCAACTACGCGCGCCCCAAGCAGTTCATCGCCGCGCAGAACCTCGGGC[C>A]CGCGTCGGGCCACGGCACGCCGGCCTCCAGCCCCAGCTCGTCCAGCCTCCCGTCGCCCAT-3'